The following is an entry in ClinVar:

ClinVar aggregate classification (germline): Uncertain significance. Review status: criteria provided, multiple submitters, no conflicts (2 of 4 stars). 2 submissions from 2 submitters: Uncertain significance (2). Last evaluated 2025-12-01.

Submissions (2):

CeGaT Center for Human Genetics Tuebingen
Classification: Uncertain significance. Last evaluated: 2025-12-01. Review status: criteria provided, single submitter. Criteria: CeGaT Center For Human Genetics Tuebingen Variant Classification Criteria Version 2. Collection method: clinical testing. Allele origin: germline. Affected: yes. Observed: 1 variant allele.
Comment: SCN2A: PM2

GeneDx
Classification: Uncertain significance. Last evaluated: 2025-02-20. Review status: criteria provided, single submitter. Criteria: GeneDx Variant Classification Process June 2021. Collection method: clinical testing. Allele origin: germline. Affected: yes.
Comment: Not observed at significant frequency in large population cohorts (gnomAD); This substitution is predicted to be in the cytoplasmic loop between the second and third homologous domains; In silico analysis supports that this missense variant has a deleterious effect on protein structure/function; Has not been previously published as pathogenic or benign to our knowledge

NM_001040142.2(SCN2A):c.3147A>T (p.Lys1049Asn)

Gene: SCN2A (sodium voltage-gated channel alpha subunit 2; plus strand). Cytogenetic location: 2q24.3.
Variant type: single nucleotide variant.
Coding change: c.3147A>T on transcript NM_001040142.2 (MANE Select); coding-DNA position 3147, A replaced by T.
Protein change: p.Lys1049Asn; replaces lysine 1049 with asparagine.
Molecular consequence: missense variant.
Genome position (GRCh38, 1-based): chr2:165,354,419, A>T. VCF-style: chr2-165354419-A-T. GRCh37 (hg19) VCF-style: chr2-166210929-A-T.
Other names: c.3147A>T, p.Lys1049Asn (NM_001040143.2, NM_001371246.1, NM_001371247.1 and 1 more transcripts); short protein forms K1049N.
Identifiers: ClinVar variation 4076715 (VCV004076715.6).